The following is an entry in ClinVar:

NM_005458.8(GABBR2):c.1801G>A (p.Val601Met)

Gene: GABBR2 (gamma-aminobutyric acid type B receptor subunit 2; minus strand). Cytogenetic location: 9q22.33.
Variant type: single nucleotide variant.
Coding change: c.1801G>A on transcript NM_005458.8 (MANE Select); coding-DNA position 1801, G replaced by A.
Protein change: p.Val601Met; replaces valine 601 with methionine.
Molecular consequence: missense variant.
Genome position (GRCh38, 1-based): chr9:98,362,807, C>T on the plus strand (G>A on the coding strand, the complement: GABBR2 is on the minus strand). VCF-style: chr9-98362807-C-T. GRCh37 (hg19) VCF-style: chr9-101125089-C-T.
Other names: short protein forms V601M.
Identifiers: ClinVar variation 649858 (VCV000649858.8), dbSNP rs758668397, ClinGen allele CA5152612.

ClinVar aggregate classification (germline): Uncertain significance (1 of 4 stars; one submission).

Conditions:
Epileptic encephalopathy. Identifiers: MedGen C0543888, HP:0200134.

Allele frequency attached by ClinVar (database versions not stated): gnomAD exomes below 0.00001; ExAC 0.00001; gnomAD 0.00001; TOPMed 0.00002.
gnomAD v4.1: 5 of 1,594,874 alleles (0.00031%); highest among the groups gnomAD compares: African/African-American, 0.0014%; no homozygotes.

Submission:

Labcorp Genetics (formerly Invitae), Labcorp
Classification: Uncertain significance for Epileptic encephalopathy. Last evaluated: 2023-08-10. Review status: criteria provided, single submitter. Criteria: Invitae Variant Classification Sherloc (09022015). Collection method: clinical testing. Allele origin: germline.
Comment: This sequence change replaces valine, which is neutral and non-polar, with methionine, which is neutral and non-polar, at codon 601 of the GABBR2 protein (p.Val601Met). The frequency data for this variant in the population databases is considered unreliable, as metrics indicate poor data quality at this position in the gnomAD database. This variant has not been reported in the literature in individuals affected with GABBR2-related conditions. ClinVar contains an entry for this variant (Variation ID: 649858). Advanced modeling of protein sequence and biophysical properties (such as structural, functional, and spatial information, amino acid conservation, physicochemical variation, residue mobility, and thermodynamic stability) has been performed at Invitae for this missense variant, however the output from this modeling did not meet the statistical confidence thresholds required to predict the impact of this variant on GABBR2 protein function. In summary, the available evidence is currently insufficient to determine the role of this variant in disease. Therefore, it has been classified as a Variant of Uncertain Significance.